The following is an entry in ClinVar:

NM_016642.4(SPTBN5):c.3852-12_3852-10dup

Gene: SPTBN5 (spectrin beta, non-erythrocytic 5; minus strand). Cytogenetic location: 15q15.1.
Variant type: Duplication.
Coding change: c.3852-12_3852-10dup on transcript NM_016642.4 (MANE Select); 12 bases into the intron before coding-DNA position 3852 through 10 bases into the intron before coding-DNA position 3852, 3 bases duplicated (CCC; older notation c.3852-12_3852-10dupCCC).
Molecular consequence: intron variant.
Genome position (GRCh38, 1-based): chr15:41,876,657-41,876,659, GGG duplicated on the plus strand (CCC on the coding strand, the reverse complement: SPTBN5 is on the minus strand); duplicating any 3 consecutive bases within chr15:41,876,657-41,876,665 gives the same sequence; the c. name uses the placement nearest the transcript's 3' end. VCF-style (leftmost placement, unchanged base first): chr15-41876656-C-CGGG. GRCh37 (hg19) VCF-style: chr15-42168854-C-CGGG.
Identifiers: ClinVar variation 3037272 (VCV003037272.2), dbSNP rs371773496, ClinGen allele CA7503461.

ClinVar aggregate classification (germline): Benign (0 of 4 stars; one submission).

Conditions:
SPTBN5-related disorder. Also called: SPTBN5-related condition.

Submission:

PreventionGenetics, part of Exact Sciences
Classification: Benign for SPTBN5-related condition. Last evaluated: 2019-04-01. Review status: no assertion criteria provided. Collection method: clinical testing. Allele origin: germline.
Comment: This variant is classified as benign based on ACMG/AMP sequence variant interpretation guidelines (Richards et al. 2015 PMID: 25741868, with internal and published modifications).